The following is an entry in ClinVar:

NM_015046.7(SETX):c.617A>G (p.Glu206Gly)

Gene: SETX (senataxin; minus strand). Cytogenetic location: 9q34.13.
Variant type: single nucleotide variant.
Coding change: c.617A>G on transcript NM_015046.7 (MANE Select); coding-DNA position 617, A replaced by G.
Protein change: p.Glu206Gly; replaces glutamic acid 206 with glycine.
Molecular consequence: missense variant.
Genome position (GRCh38, 1-based): chr9:132,336,397, T>C on the plus strand (A>G on the coding strand, the complement: SETX is on the minus strand). VCF-style: chr9-132336397-T-C. GRCh37 (hg19) VCF-style: chr9-135211784-T-C.
Other names: c.617A>G, p.Glu206Gly (NM_001351527.2, NM_001351528.2); short protein forms E206G.
Identifiers: ClinVar variation 365375 (VCV000365375.6), dbSNP rs759880306, ClinGen allele CA5297999.
Genomic context (GRCh38, chr9:132,336,397, plus strand): 5'-GAGGGCAGAAGAATCAGTTTACCCTTCTCTAGGACAGAAGAAGTATAAATGTCTGGACTC[T>C]CTAAAAGCCCCAACTCAATGACTTTAAAAAGGCAAAGTAAAACTTCTTGTAAGTCATAAT-3'
Protein context (NP_055861.3, residues 196-216): LFKVIELGLL[Glu206Gly]SPDIYTSSVL

ClinVar aggregate classification (germline): Uncertain significance. Review status: criteria provided, multiple submitters, no conflicts (2 of 4 stars). 3 submissions from 2 submitters: Uncertain significance (3). Last evaluated 2025-12-01.

Conditions:
Spinocerebellar ataxia, autosomal recessive, with axonal neuropathy 2 (SCAN2). Also called: ATAXIA-OCULOMOTOR APRAXIA 2; Ataxia-ocular apraxia-2; Ataxia with Oculomotor Apraxia; Ataxia with Oculomotor Apraxia Type 2. Identifiers: Orphanet 64753, MedGen C1853761, MONDO:0018996, OMIM 606002.
Amyotrophic lateral sclerosis type 4 (ALS4). Also called: AMYOTROPHIC LATERAL SCLEROSIS 4, JUVENILE; NEURONOPATHY, DISTAL HEREDITARY MOTOR, WITH PYRAMIDAL FEATURES. Identifiers: Orphanet 357043, MedGen C1865409, MONDO:0011223, OMIM 602433.

Allele frequency attached by ClinVar (database versions not stated): gnomAD exomes below 0.00001 and 0.00001; ExAC 0.00001.
gnomAD v4.1: 2 of 1,614,066 alleles (0.00012%); highest among the groups gnomAD compares: Non-Finnish European, 0.000085%; no homozygotes.

Submissions (3):

Labcorp Genetics (formerly Invitae), Labcorp
Classification: Uncertain significance for Amyotrophic lateral sclerosis type 4; Spinocerebellar ataxia, autosomal recessive, with axonal neuropathy 2. Last evaluated: 2025-12-01. Review status: criteria provided, single submitter. Criteria: Invitae Variant Classification Sherloc (09022015). Collection method: clinical testing. Allele origin: germline.
Comment: This sequence change replaces glutamic acid, which is acidic and polar, with glycine, which is neutral and non-polar, at codon 206 of the SETX protein (p.Glu206Gly). This variant is present in population databases (rs759880306, gnomAD 0.0009%). This variant has not been reported in the literature in individuals affected with SETX-related conditions. ClinVar contains an entry for this variant (Variation ID: 365375). Invitae Evidence Modeling of protein sequence and biophysical properties (such as structural, functional, and spatial information, amino acid conservation, physicochemical variation, residue mobility, and thermodynamic stability) has been performed for this missense variant. However, the output from this modeling did not meet the statistical confidence thresholds required to predict the impact of this variant on SETX protein function. In summary, the available evidence is currently insufficient to determine the role of this variant in disease. Therefore, it has been classified as a Variant of Uncertain Significance.

Illumina Laboratory Services, Illumina
Classification: Uncertain significance for Amyotrophic lateral sclerosis type 4. Last evaluated: 2018-01-13. Review status: criteria provided, single submitter. Criteria: ICSL Variant Classification Criteria 13 December 2019. Collection method: clinical testing. Allele origin: germline.

Illumina Laboratory Services, Illumina
Classification: Uncertain significance for Spinocerebellar ataxia, autosomal recessive, with axonal neuropathy 2. Last evaluated: 2018-01-13. Review status: criteria provided, single submitter. Criteria: ICSL Variant Classification Criteria 13 December 2019. Collection method: clinical testing. Allele origin: germline.